The following is an entry in ClinVar:

NM_006766.5(KAT6A):c.2820_2821delinsAC (p.Ser941Arg)

Gene: KAT6A (lysine acetyltransferase 6A; minus strand). Cytogenetic location: 8p11.21.
Variant type: Indel.
Coding change: c.2820_2821delinsAC on transcript NM_006766.5 (MANE Select); coding-DNA positions 2820 to 2821, CA replaced by AC.
Protein change: p.Ser941Arg; replaces serine 941 with arginine.
Molecular consequence: missense variant.
Genome position (GRCh38, 1-based): chr8:41,941,060-41,941,061, TG replaced by GT on the plus strand (CA replaced by AC on the coding strand, the reverse complement: KAT6A is on the minus strand). VCF-style: chr8-41941060-TG-GT. GRCh37 (hg19) VCF-style: chr8-41798578-TG-GT.
Other names: short protein forms S941R.
Identifiers: ClinVar variation 4721402 (VCV004721402.1).

ClinVar aggregate classification (germline): Uncertain significance (1 of 4 stars; one submission).

Submission:

Labcorp Genetics (formerly Invitae), Labcorp
Classification: Uncertain significance. Last evaluated: 2025-06-14. Review status: criteria provided, single submitter. Criteria: Invitae Variant Classification Sherloc (09022015). Collection method: clinical testing. Allele origin: germline.
Comment: This sequence change replaces serine, which is neutral and polar, with arginine, which is basic and polar, at codon 941 of the KAT6A protein (p.Ser941Arg). Information on the frequency of this variant in the gnomAD database is not available, as this variant may be reported differently in the database. This variant has not been reported in the literature in individuals affected with KAT6A-related conditions. Experimental studies and prediction algorithms are not available or were not evaluated, and the functional significance of this variant is currently unknown. In summary, the available evidence is currently insufficient to determine the role of this variant in disease. Therefore, it has been classified as a Variant of Uncertain Significance.